The following is an entry in ClinVar:

ClinVar aggregate classification (germline): Uncertain significance (1 of 4 stars; one submission).

Allele frequency attached by ClinVar (database versions not stated): gnomAD exomes below 0.00001.

Submission:

Labcorp Genetics (formerly Invitae), Labcorp
Classification: Uncertain significance. Last evaluated: 2022-03-10. Review status: criteria provided, single submitter. Criteria: Invitae Variant Classification Sherloc (09022015). Collection method: clinical testing. Allele origin: germline.
Comment: This variant has not been reported in the literature in individuals affected with RBP3-related conditions. In summary, the available evidence is currently insufficient to determine the role of this variant in disease. Therefore, it has been classified as a Variant of Uncertain Significance. Algorithms developed to predict the effect of missense changes on protein structure and function output the following: SIFT: "Tolerated"; PolyPhen-2: "Benign"; Align-GVGD: "Class C0". The leucine amino acid residue is found in multiple mammalian species, which suggests that this missense change does not adversely affect protein function. ClinVar contains an entry for this variant (Variation ID: 1021159). This variant is not present in population databases (gnomAD no frequency). This sequence change replaces methionine, which is neutral and non-polar, with leucine, which is neutral and non-polar, at codon 991 of the RBP3 protein (p.Met991Leu).

NM_002900.3(RBP3):c.2971A>T (p.Met991Leu)

Gene: RBP3 (retinol binding protein 3; plus strand). Cytogenetic location: 10q11.22.
Variant type: single nucleotide variant.
Coding change: c.2971A>T on transcript NM_002900.3 (MANE Select); coding-DNA position 2971, A replaced by T.
Protein change: p.Met991Leu; replaces methionine 991 with leucine.
Molecular consequence: missense variant.
Genome position (GRCh38, 1-based): chr10:47,351,455, A>T. VCF-style: chr10-47351455-A-T. GRCh37 (hg19) VCF-style: chr10-48387907-T-A.
Other names: short protein forms M991L.
Identifiers: ClinVar variation 1021159 (VCV001021159.10), dbSNP rs1836973185, ClinGen allele CA376675878.